The following is an entry in ClinVar:

NM_000179.3(MSH6):c.168G>A (p.Gly56=)

Gene: MSH6 (mutS homolog 6; plus strand). Cytogenetic location: 2p16.3.
Variant type: single nucleotide variant.
Coding change: c.168G>A on transcript NM_000179.3 (MANE Select); coding-DNA position 168, G replaced by A.
Protein change: p.Gly56=; no amino-acid change (glycine 56 retained).
Molecular consequence: synonymous variant. On other transcripts: 5 prime UTR variant (1).
Genome position (GRCh38, 1-based): chr2:47,783,401, G>A. VCF-style: chr2-47783401-G-A. GRCh37 (hg19) VCF-style: chr2-48010540-G-A.
Other names: c.168G>A, p.Gly56= (NM_001281492.2); c.-569G>A (NM_001281493.2).
Identifiers: ClinVar variation 483767 (VCV000483767.14), dbSNP rs1553408296, ClinGen allele CA346734988.

ClinVar aggregate classification (germline): Benign/Likely benign. Review status: criteria provided, multiple submitters, no conflicts (2 of 4 stars). 3 submissions from 3 submitters: Benign (1); Likely benign (2). Last evaluated 2025-10-09.

Conditions:
Hereditary nonpolyposis colorectal neoplasms. Identifiers: MedGen C0009405, MeSH D003123.
Lynch syndrome 5 (LYNCH5). Also called: Colorectal cancer, hereditary nonpolyposis, type 5; Hereditary non-polyposis colorectal cancer, type 5. Identifiers: Orphanet 144, MedGen C1833477, MONDO:0013710, OMIM 614350. Disease mechanism: loss of function.
Hereditary cancer-predisposing syndrome. Also called: Neoplastic Syndromes, Hereditary; Tumor predisposition; Hereditary Cancer Syndrome; Hereditary neoplastic syndrome. Identifiers: Orphanet 140162, MedGen C0027672, MeSH D009386, MONDO:0015356.

Allele frequency attached by ClinVar (database versions not stated): TOPMed below 0.00001.

Submissions (3):

Labcorp Genetics (formerly Invitae), Labcorp
Classification: Likely benign for Hereditary nonpolyposis colorectal neoplasms. Last evaluated: 2025-10-09. Review status: criteria provided, single submitter. Criteria: Invitae Variant Classification Sherloc (09022015). Collection method: clinical testing. Allele origin: germline.

Myriad Genetics, Inc.
Classification: Benign for Lynch syndrome 5. Last evaluated: 2024-12-17. Review status: criteria provided, single submitter. Criteria: Myriad Autosomal Dominant, Autosomal Recessive and X-Linked Classification Criteria (2023). Collection method: clinical testing. Allele origin: unknown.
Comment: This variant is considered benign. This variant is a silent/synonymous amino acid change and it is not expected to impact splicing.

Ambry Genetics
Classification: Likely benign for Hereditary cancer-predisposing syndrome. Last evaluated: 2017-08-15. Review status: criteria provided, single submitter. Criteria: Ambry Variant Classification Scheme 2023. Collection method: clinical testing. Allele origin: germline.